The following is an entry in ClinVar:

NM_201378.4(PLEC):c.71-11866G>A

Gene: PLEC (plectin; minus strand). Cytogenetic location: 8q24.3.
Variant type: single nucleotide variant.
Coding change: c.71-11866G>A on transcript NM_201378.4 (MANE Plus Clinical); 11866 bases into the intron before coding-DNA position 71, G replaced by A.
Molecular consequence: intron variant. On other transcripts: missense variant (1).
Genome position (GRCh38, 1-based): chr8:143,950,558, C>T on the plus strand (G>A on the coding strand, the complement: PLEC is on the minus strand). VCF-style: chr8-143950558-C-T. GRCh37 (hg19) VCF-style: chr8-145024726-C-T.
Other names: c.149G>A, p.Arg50His (NM_201380.4); c.194-11866G>A (NM_001410941.1, NM_000445.5); c.46+3168G>A (NM_201379.3); short protein forms R50H.
Identifiers: ClinVar variation 266032 (VCV000266032.6), dbSNP rs199505812, ClinGen allele CA4929007.
Genomic context (GRCh38, chr8:143,950,558, plus strand): 5'-AAGTGGCACCAGGCAAAGGTCTCGCGGACCAGGCCCCGTGCCCGCAGGGACGCCATGGCA[C>T]GCATGACCTGCAGGTTGGTGACGCCGGGCACATGGGGGTGCAAGCTGCGGGGCCGCCGGT-3'

ClinVar aggregate classification (germline): Uncertain significance. Review status: criteria provided, single submitter (1 of 4 stars). 2 submissions from 2 submitters: Uncertain significance (1). 1 of the submissions does not count toward it. Last evaluated 2016-09-15.

Conditions:
PLEC-related disorder. Also called: PLEC-related condition; PLEC-related disorders.
Autosomal recessive limb-girdle muscular dystrophy type 2Q (LGMDR17). Also called: MUSCULAR DYSTROPHY, LIMB-GIRDLE, AUTOSOMAL RECESSIVE 17. Identifiers: Orphanet 254361, MedGen C3150989, MONDO:0013390, OMIM 613723.

Allele frequency attached by ClinVar (database versions not stated): gnomAD exomes 0.00012; gnomAD 0.00054; 1000 Genomes Project 30x 0.00094; TOPMed 0.00106; ESP Exome Variant Server 0.00056; 1000 Genomes Project 0.00080.
gnomAD v4.1: 287 of 1,608,398 alleles (0.018%); highest among the groups gnomAD compares: African/African-American, 0.24%; 2 homozygotes.

Submissions (2):

HudsonAlpha Institute for Biotechnology
Classification: Uncertain significance for Autosomal recessive limb-girdle muscular dystrophy type 2Q. Last evaluated: 2016-09-15. Review status: criteria provided, single submitter. Criteria: HA_assertions_20161101. Collection method: research. Allele origin: maternal. Affected: yes. Observed: 1 variant allele. Study: CSER-HudsonAlpha.

PreventionGenetics, part of Exact Sciences
Classification: Likely benign for PLEC-related condition. Last evaluated: 2022-07-07. Review status: no assertion criteria provided. Collection method: clinical testing. Allele origin: germline. Not counted in ClinVar's aggregate classification.
Comment: This variant is classified as likely benign based on ACMG/AMP sequence variant interpretation guidelines (Richards et al. 2015 PMID: 25741868, with internal and published modifications).